The following is an entry in ClinVar:

ClinVar aggregate classification (germline): Uncertain significance (1 of 4 stars; one submission).

gnomAD v4.1: 1 of 1,613,334 alleles (0.000062%); highest among the groups gnomAD compares: South Asian, 0.0011%; no homozygotes.

Submission:

Labcorp Genetics (formerly Invitae), Labcorp
Classification: Uncertain significance. Last evaluated: 2025-01-16. Review status: criteria provided, single submitter. Criteria: Invitae Variant Classification Sherloc (09022015). Collection method: clinical testing. Allele origin: germline.
Comment: This sequence change replaces proline, which is neutral and non-polar, with serine, which is neutral and polar, at codon 739 of the SUCO protein (p.Pro739Ser). This variant is present in population databases (no rsID available, gnomAD 0.003%). This variant has not been reported in the literature in individuals affected with SUCO-related conditions. An algorithm developed to predict the effect of missense changes on protein structure and function outputs the following: PolyPhen-2: "Benign". The serine amino acid residue is found in multiple mammalian species, which suggests that this missense change does not adversely affect protein function. In summary, the available evidence is currently insufficient to determine the role of this variant in disease. Therefore, it has been classified as a Variant of Uncertain Significance.

NM_014283.5(SUCO):c.2215C>T (p.Pro739Ser)

Gene: SUCO (SUN domain containing ossification factor; plus strand). Cytogenetic location: 1q24.3.
Variant type: single nucleotide variant.
Coding change: c.2215C>T on transcript NM_014283.5 (MANE Select); coding-DNA position 2215, C replaced by T.
Protein change: p.Pro739Ser; replaces proline 739 with serine.
Molecular consequence: missense variant. On other transcripts: intron variant (1).
Genome position (GRCh38, 1-based): chr1:172,589,316, C>T. VCF-style: chr1-172589316-C-T. GRCh37 (hg19) VCF-style: chr1-172558456-C-T.
Other names: c.526C>T, p.Pro176Ser (NM_001282751.2); c.2668C>T, p.Pro890Ser (NM_016227.4); c.1712+392C>T (NM_001282750.2); short protein forms P890S, P176S, P739S.
Identifiers: ClinVar variation 3659572 (VCV003659572.2).